The following is an entry in ClinVar:

ClinVar aggregate classification (germline): Uncertain significance (1 of 4 stars; one submission).

Submission:

Labcorp Genetics (formerly Invitae), Labcorp
Classification: Uncertain significance. Last evaluated: 2021-01-14. Review status: criteria provided, single submitter. Criteria: Invitae Variant Classification Sherloc (09022015). Collection method: clinical testing. Allele origin: germline.
Comment: In summary, the available evidence is currently insufficient to determine the role of this variant in disease. Therefore, it has been classified as a Variant of Uncertain Significance. Experimental studies and prediction algorithms are not available or were not evaluated, and the functional significance of this variant is currently unknown. This variant has not been reported in the literature in individuals with MERTK-related conditions. This variant is a gross deletion of the genomic region encompassing exon(s) 12-13 of the MERTK gene. This variant would be expected to be in-frame, preserving the integrity of the reading frame.

NC_000002.11:g.(?_112760669)_(112761561_?)del

Gene: MERTK (MER proto-oncogene, tyrosine kinase; plus strand). Cytogenetic location: 2q13.
Variant type: Deletion.
Identifiers: ClinVar variation 1036229 (VCV001036229.3).